The following is an entry in ClinVar:

ClinVar aggregate classification (germline): Benign. Review status: criteria provided, single submitter (1 of 4 stars). 2 submissions from 2 submitters: Benign (1). 1 of the submissions does not count toward it. Last evaluated 2026-01-13.

Conditions:
MAP3K20-related disorder. Also called: MAP3K20-related condition.

Allele frequency attached by ClinVar (database versions not stated): gnomAD exomes 0.00023 and 0.00063; ExAC 0.00083; 1000 Genomes Project 0.00120; 1000 Genomes Project 30x 0.00125; gnomAD 0.00254 and 0.00278; ESP Exome Variant Server 0.00266; TOPMed 0.00294.

Submissions (2):

Labcorp Genetics (formerly Invitae), Labcorp
Classification: Benign. Last evaluated: 2026-01-13. Review status: criteria provided, single submitter. Criteria: Invitae Variant Classification Sherloc (09022015). Collection method: clinical testing. Allele origin: germline.

PreventionGenetics, part of Exact Sciences
Classification: Benign for MAP3K20-related condition. Last evaluated: 2020-11-10. Review status: no assertion criteria provided. Collection method: clinical testing. Allele origin: germline. Not counted in ClinVar's aggregate classification.
Comment: This variant is classified as benign based on ACMG/AMP sequence variant interpretation guidelines (Richards et al. 2015 PMID: 25741868, with internal and published modifications).

NM_016653.3(MAP3K20):c.2047C>T (p.Arg683Cys)

Genes: MAP3K20 (mitogen-activated protein kinase kinase kinase 20; plus strand), MAP3K20-AS1 (MAP3K20 antisense RNA 1; minus strand). Cytogenetic location: 2q31.1.
Variant type: single nucleotide variant.
Coding change: c.2047C>T on transcript NM_016653.3 (MANE Select); coding-DNA position 2047, C replaced by T.
Protein change: p.Arg683Cys; replaces arginine 683 with cysteine.
Molecular consequence: missense variant.
Genome position (GRCh38, 1-based): chr2:173,266,394, C>T. VCF-style: chr2-173266394-C-T. GRCh37 (hg19) VCF-style: chr2-174131122-C-T.
Other names: short protein forms R683C.
Identifiers: ClinVar variation 726848 (VCV000726848.12), dbSNP rs180986176, ClinGen allele CA1971023.